The following is an entry in ClinVar:

NM_015072.5(TTLL5):c.1006T>A (p.Cys336Ser)

Gene: TTLL5 (tubulin tyrosine ligase like 5; plus strand). Cytogenetic location: 14q24.3.
Variant type: single nucleotide variant.
Coding change: c.1006T>A on transcript NM_015072.5 (MANE Select); coding-DNA position 1006, T replaced by A.
Protein change: p.Cys336Ser; replaces cysteine 336 with serine.
Molecular consequence: missense variant.
Genome position (GRCh38, 1-based): chr14:75,720,667, T>A. VCF-style: chr14-75720667-T-A. GRCh37 (hg19) VCF-style: chr14-76187010-T-A.
Other names: short protein forms C336S.
Identifiers: ClinVar variation 1043731 (VCV001043731.8), dbSNP rs1887780973, ClinGen allele CA390458817.

ClinVar aggregate classification (germline): Uncertain significance (1 of 4 stars; one submission).

Submission:

Labcorp Genetics (formerly Invitae), Labcorp
Classification: Uncertain significance. Last evaluated: 2021-02-04. Review status: criteria provided, single submitter. Criteria: Invitae Variant Classification Sherloc (09022015). Collection method: clinical testing. Allele origin: germline.
Comment: In summary, the available evidence is currently insufficient to determine the role of this variant in disease. Therefore, it has been classified as a Variant of Uncertain Significance. Algorithms developed to predict the effect of sequence changes on RNA splicing suggest that this variant may create or strengthen a splice site, but this prediction has not been confirmed by published transcriptional studies. Algorithms developed to predict the effect of missense changes on protein structure and function (SIFT, PolyPhen-2, Align-GVGD) all suggest that this variant is likely to be tolerated, but these predictions have not been confirmed by published functional studies and their clinical significance is uncertain. This variant has not been reported in the literature in individuals with TTLL5-related conditions. This variant is not present in population databases (ExAC no frequency). This sequence change replaces cysteine with serine at codon 336 of the TTLL5 protein (p.Cys336Ser). The cysteine residue is highly conserved and there is a moderate physicochemical difference between cysteine and serine.